The following is an entry in ClinVar:

NM_001170535.3(ATAD3A):c.1693C>T (p.His565Tyr)

Gene: ATAD3A (ATPase family AAA domain containing 3A; plus strand). Cytogenetic location: 1p36.33.
Variant type: single nucleotide variant.
Coding change: c.1693C>T on transcript NM_001170535.3 (MANE Select); coding-DNA position 1693, C replaced by T.
Protein change: p.His565Tyr; replaces histidine 565 with tyrosine.
Molecular consequence: missense variant.
Genome position (GRCh38, 1-based): chr1:1,534,004, C>T. VCF-style: chr1-1534004-C-T. GRCh37 (hg19) VCF-style: chr1-1469384-C-T.
Other names: c.1456C>T, p.His486Tyr (NM_001170536.3); c.1837C>T, p.His613Tyr (NM_018188.5); c.1837C>T (NM_018188.3); short protein forms H613Y, H565Y, H486Y.
Identifiers: ClinVar variation 522903 (VCV000522903.31), dbSNP rs200344678, ClinGen allele CA526549.

ClinVar aggregate classification (germline): Conflicting classifications of pathogenicity. Review status: criteria provided, conflicting classifications (1 of 4 stars). 4 submissions from 4 submitters: Uncertain significance (2); Benign (1); Likely benign (1). Last evaluated 2023-01-01.

Conditions:
Harel-Yoon syndrome (HAYOS). Also called: Optic atrophy-peripheral neuropathy-developmental delay syndrome. Identifiers: Orphanet 496790, MedGen C4310677, MONDO:0014958, OMIM 617183.
Epilepsy. Also called: Seizure disorder. Identifiers: MedGen C0014544, MeSH D004827, MONDO:0005027.
Inborn genetic diseases. Identifiers: MedGen C0950123, MeSH D030342.

Allele frequency attached by ClinVar (database versions not stated): 1000 Genomes Project 30x 0.00016; 1000 Genomes Project 0.00020; ExAC 0.00027; gnomAD 0.00027 and 0.00030; gnomAD exomes 0.00028 and 0.00051; TOPMed 0.00028; ESP Exome Variant Server 0.00031.
gnomAD v4.1: 794 of 1,613,606 alleles (0.049%); highest among the groups gnomAD compares: Middle Eastern, 0.13%; 1 homozygote.

Submissions (4):

CeGaT Center for Human Genetics Tuebingen
Classification: Likely benign. Last evaluated: 2023-01-01. Review status: criteria provided, single submitter. Criteria: CeGaT Center For Human Genetics Tuebingen Variant Classification Criteria Version 2. Collection method: clinical testing. Allele origin: germline. Affected: yes. Observed: 1 variant allele.
Comment: ATAD3A: BS2

Ambry Genetics
Classification: Uncertain significance for Inborn genetic diseases. Last evaluated: 2022-06-16. Review status: criteria provided, single submitter. Criteria: Ambry Variant Classification Scheme 2023. Collection method: clinical testing. Allele origin: germline.
Comment: Unlikely to be causative of AD ATAD3A-related mitochondrial disorder. Based on insufficient or conflicting evidence, the clinical significance of this alteration remains unclear.

Cambridge Genomics Laboratory, East Genomic Laboratory Hub, NHS Genomic Medicine Service
Classification: Benign for Epilepsy. Last evaluated: 2020-05-14. Review status: criteria provided, single submitter. Criteria: ACGS Best Practice Guidelines for Variant Classification in Rare Disease 2020. Collection method: clinical testing. Allele origin: germline. Affected: yes. Observed: 1 variant allele.

Genomic Research Center, Shahid Beheshti University of Medical Sciences
Classification: Uncertain significance for Harel-Yoon syndrome. Last evaluated: 2020-05-03. Review status: criteria provided, single submitter. Criteria: ACMG Guidelines, 2015. Collection method: clinical testing. Allele origin: unknown. Affected: yes.